The following is an entry in ClinVar:

ClinVar aggregate classification (germline): Uncertain significance (1 of 4 stars; one submission).

Conditions:
Hereditary spastic paraplegia 11. Also called: SPASTIC PARAPLEGIA, AUTOSOMAL RECESSIVE, COMPLICATED, WITH THIN CORPUS CALLOSUM; SPASTIC PARAPLEGIA, AUTOSOMAL RECESSIVE, WITH MENTAL IMPAIRMENT AND THIN CORPUS CALLOSUM; Spastic Paraplegia 11; Spastic paraplegia, mental retardation and thin corpus callosum; Nakamura Osame syndrome; Autosomal recessive hereditary spastic paraplegia, mental impairment, and thin corpus callosum. Identifiers: Orphanet 2822, MedGen C1858479, MONDO:0011445, OMIM 604360.

Allele frequency attached by ClinVar (database versions not stated): gnomAD 0.00001; TOPMed 0.00002.
gnomAD v4.1: 4 of 1,614,134 alleles (0.00025%); highest among the groups gnomAD compares: African/African-American, 0.0027%; no homozygotes.

Submission:

Labcorp Genetics (formerly Invitae), Labcorp
Classification: Uncertain significance for Hereditary spastic paraplegia 11. Last evaluated: 2022-07-23. Review status: criteria provided, single submitter. Criteria: Invitae Variant Classification Sherloc (09022015). Collection method: clinical testing. Allele origin: germline.
Comment: This sequence change replaces lysine, which is basic and polar, with arginine, which is basic and polar, at codon 1873 of the SPG11 protein (p.Lys1873Arg). This variant is not present in population databases (gnomAD no frequency). This variant has not been reported in the literature in individuals affected with SPG11-related conditions. Algorithms developed to predict the effect of missense changes on protein structure and function (SIFT, PolyPhen-2, Align-GVGD) all suggest that this variant is likely to be tolerated. In summary, the available evidence is currently insufficient to determine the role of this variant in disease. Therefore, it has been classified as a Variant of Uncertain Significance.

NM_025137.4(SPG11):c.5618A>G (p.Lys1873Arg)

Gene: SPG11 (SPG11 vesicle trafficking associated, spatacsin; minus strand). Cytogenetic location: 15q21.1.
Variant type: single nucleotide variant.
Coding change: c.5618A>G on transcript NM_025137.4 (MANE Select); coding-DNA position 5618, A replaced by G.
Protein change: p.Lys1873Arg; replaces lysine 1873 with arginine.
Molecular consequence: missense variant.
Genome position (GRCh38, 1-based): chr15:44,584,062, T>C on the plus strand (A>G on the coding strand, the complement: SPG11 is on the minus strand). VCF-style: chr15-44584062-T-C. GRCh37 (hg19) VCF-style: chr15-44876260-T-C.
Other names: c.5618A>G, p.Lys1873Arg (NM_001160227.2); c.5474A>G, p.Lys1825Arg (NM_001411132.1); short protein forms K1873R, K1825R.
Identifiers: ClinVar variation 1982896 (VCV001982896.1), dbSNP rs1005732347, ClinGen allele CA270079876.
Genomic context (GRCh38, chr15:44,584,062, plus strand): 5'-TCATGCACACAGCCATCATCCAGTAGGCGCCCAATCAAAAAGTTTAGTGACTCCTGCTCT[T>C]TCCAATCCAATCTATTCTCGCATGTCTCTTTGGATGGAAGGCTGTTAAGTTCTAAGTATT-3'
Protein context (NP_079413.3, residues 1863-1883): KETCENRLDW[Lys1873Arg]EQESLNFLIG